The following is an entry in ClinVar:

NM_003072.5(SMARCA4):c.2102T>G (p.Val701Gly)

Gene: SMARCA4 (SWI/SNF related BAF chromatin remodeling complex subunit ATPase 4; plus strand). Cytogenetic location: 19p13.2.
Variant type: single nucleotide variant.
Coding change: c.2102T>G on transcript NM_003072.5 (MANE Select); coding-DNA position 2102, T replaced by G.
Protein change: p.Val701Gly; replaces valine 701 with glycine.
Molecular consequence: missense variant. On other transcripts: non-coding transcript variant (1).
Genome position (GRCh38, 1-based): chr19:11,008,002, T>G. VCF-style: chr19-11008002-T-G. GRCh37 (hg19) VCF-style: chr19-11118678-T-G.
Other names: c.2102T>G, p.Val701Gly (NM_001128844.3, NM_001128845.2, NM_001128846.2 and 5 more transcripts); short protein forms V701G.
Identifiers: ClinVar variation 569603 (VCV000569603.8), dbSNP rs1307425251, ClinGen allele CA404052587.

ClinVar aggregate classification (germline): Uncertain significance (1 of 4 stars; one submission).

Conditions:
Rhabdoid tumor predisposition syndrome 2 (RTPS2). Identifiers: Orphanet 231108, Orphanet 69077, MedGen C2750074, MONDO:0013224, OMIM 613325.

Submission:

Labcorp Genetics (formerly Invitae), Labcorp
Classification: Uncertain significance for Rhabdoid tumor predisposition syndrome 2. Last evaluated: 2021-06-17. Review status: criteria provided, single submitter. Criteria: Invitae Variant Classification Sherloc (09022015). Collection method: clinical testing. Allele origin: germline.
Comment: This sequence change replaces valine with glycine at codon 701 of the SMARCA4 protein (p.Val701Gly). The valine residue is highly conserved and there is a moderate physicochemical difference between valine and glycine. This variant is not present in population databases (ExAC no frequency). In summary, the available evidence is currently insufficient to determine the role of this variant in disease. Therefore, it has been classified as a Variant of Uncertain Significance. Algorithms developed to predict the effect of missense changes on protein structure and function do not agree on the potential impact of this missense change (SIFT: "Deleterious"; PolyPhen-2: "Benign"; Align-GVGD: "Class C65"). This variant has not been reported in the literature in individuals with SMARCA4-related disease.